The following is an entry in ClinVar:

NM_177438.3(DICER1):c.1032T>G (p.Phe344Leu)

Gene: DICER1 (dicer 1, ribonuclease III; minus strand). Cytogenetic location: 14q32.13.
Variant type: single nucleotide variant.
Coding change: c.1032T>G on transcript NM_177438.3 (MANE Select); coding-DNA position 1032, T replaced by G.
Protein change: p.Phe344Leu; replaces phenylalanine 344 with leucine.
Molecular consequence: missense variant.
Genome position (GRCh38, 1-based): chr14:95,124,540, A>C on the plus strand (T>G on the coding strand, the complement: DICER1 is on the minus strand). VCF-style: chr14-95124540-A-C. GRCh37 (hg19) VCF-style: chr14-95590877-A-C.
Other names: c.1032T>G, p.Phe344Leu (NM_001195573.1, NM_001271282.3, NM_001291628.2 and 1 more transcripts); short protein forms F344L.
Identifiers: ClinVar variation 477024 (VCV000477024.13), dbSNP rs1161765608, ClinGen allele CA390887114.

ClinVar aggregate classification (germline): Uncertain significance. Review status: criteria provided, multiple submitters, no conflicts (2 of 4 stars). 2 submissions from 2 submitters: Uncertain significance (2). Last evaluated 2025-07-25.

Conditions:
DICER1-related tumor predisposition. Also called: DICER1-related pleuropulmonary blastoma cancer predisposition syndrome; DICER1 syndrome. Identifiers: Orphanet 284343, MedGen C3839822, MONDO:0100216.
Hereditary cancer-predisposing syndrome. Also called: Tumor predisposition; Neoplastic Syndromes, Hereditary; Hereditary Cancer Syndrome; Hereditary neoplastic syndrome. Identifiers: Orphanet 140162, MedGen C0027672, MeSH D009386, MONDO:0015356.

Allele frequency attached by ClinVar (database versions not stated): gnomAD exomes below 0.00001.
gnomAD v4.1: 1 of 1,613,942 alleles (0.000062%); highest among the groups gnomAD compares: Non-Finnish European, 0.000085%; no homozygotes.

Submissions (2):

Ambry Genetics
Classification: Uncertain significance for Hereditary cancer-predisposing syndrome. Last evaluated: 2025-07-25. Review status: criteria provided, single submitter. Criteria: Ambry Variant Classification Scheme 2023. Collection method: clinical testing. Allele origin: germline.
Comment: The p.F344L variant (also known as c.1032T>G), located in coding exon 7 of the DICER1 gene, results from a T to G substitution at nucleotide position 1032. The phenylalanine at codon 344 is replaced by leucine, an amino acid with highly similar properties. This amino acid position is well conserved in available vertebrate species. In addition, this alteration is predicted to be tolerated by in silico analysis. Since supporting evidence is limited at this time, the clinical significance of this alteration remains unclear.

Labcorp Genetics (formerly Invitae), Labcorp
Classification: Uncertain significance for DICER1-related tumor predisposition. Last evaluated: 2023-06-27. Review status: criteria provided, single submitter. Criteria: Invitae Variant Classification Sherloc (09022015). Collection method: clinical testing. Allele origin: germline.
Comment: This variant has not been reported in the literature in individuals affected with DICER1-related conditions. This variant is present in population databases (no rsID available, gnomAD 0.0009%). This sequence change replaces phenylalanine, which is neutral and non-polar, with leucine, which is neutral and non-polar, at codon 344 of the DICER1 protein (p.Phe344Leu). In summary, the available evidence is currently insufficient to determine the role of this variant in disease. Therefore, it has been classified as a Variant of Uncertain Significance. Advanced modeling of protein sequence and biophysical properties (such as structural, functional, and spatial information, amino acid conservation, physicochemical variation, residue mobility, and thermodynamic stability) performed at Invitae indicates that this missense variant is not expected to disrupt DICER1 protein function. ClinVar contains an entry for this variant (Variation ID: 477024).